The following is an entry in ClinVar:

NM_001134232.2(TMEM106B):c.693T>G (p.Thr231=)

Gene: TMEM106B (transmembrane protein 106B; plus strand). Cytogenetic location: 7p21.3.
Variant type: single nucleotide variant.
Coding change: c.693T>G on transcript NM_001134232.2 (MANE Select); coding-DNA position 693, T replaced by G.
Protein change: p.Thr231=; no amino-acid change (threonine 231 retained).
Molecular consequence: synonymous variant.
Genome position (GRCh38, 1-based): chr7:12,231,843, T>G. VCF-style: chr7-12231843-T-G. GRCh37 (hg19) VCF-style: chr7-12271469-T-G.
Other names: c.693T>G, p.Thr231= (NM_018374.4).
Identifiers: ClinVar variation 2180017 (VCV002180017.18), dbSNP rs751214732, ClinGen allele CA4165216.

ClinVar aggregate classification (germline): Likely benign. Review status: criteria provided, multiple submitters, no conflicts (2 of 4 stars). 2 submissions from 2 submitters: Likely benign (2). Last evaluated 2024-11-01.

Allele frequency attached by ClinVar (database versions not stated): gnomAD 0.00002; TOPMed 0.00003; gnomAD exomes 0.00004; ExAC 0.00005.
gnomAD v4.1: 67 of 1,596,450 alleles (0.0042%); highest among the groups gnomAD compares: Middle Eastern, 0.017%; no homozygotes.

Submissions (2):

CeGaT Center for Human Genetics Tuebingen
Classification: Likely benign. Last evaluated: 2024-11-01. Review status: criteria provided, single submitter. Criteria: CeGaT Center For Human Genetics Tuebingen Variant Classification Criteria Version 2. Collection method: clinical testing. Allele origin: germline. Affected: yes. Observed: 1 variant allele.
Comment: TMEM106B: BP4, BP7

Labcorp Genetics (formerly Invitae), Labcorp
Classification: Likely benign. Last evaluated: 2022-07-11. Review status: criteria provided, single submitter. Criteria: Invitae Variant Classification Sherloc (09022015). Collection method: clinical testing. Allele origin: germline.